The following is an entry in ClinVar:

ClinVar aggregate classification (germline): Uncertain significance (1 of 4 stars; one submission).

Conditions:
Myopathy, centronuclear, 2 (CNM2). Also called: MYOTUBULAR MYOPATHY, AUTOSOMAL RECESSIVE. Identifiers: Orphanet 169186, MedGen CN031787, MONDO:0009709, OMIM 255200.

Submission:

Labcorp Genetics (formerly Invitae), Labcorp
Classification: Uncertain significance for Myopathy, centronuclear, 2. Last evaluated: 2025-08-29. Review status: criteria provided, single submitter. Criteria: Invitae Variant Classification Sherloc (09022015). Collection method: clinical testing. Allele origin: germline.
Comment: This sequence change replaces proline, which is neutral and non-polar, with arginine, which is basic and polar, at codon 324 of the BIN1 protein (p.Pro324Arg). This variant is not present in population databases (gnomAD no frequency). This variant has not been reported in the literature in individuals affected with BIN1-related conditions. Invitae Evidence Modeling of protein sequence and biophysical properties (such as structural, functional, and spatial information, amino acid conservation, physicochemical variation, residue mobility, and thermodynamic stability) indicates that this missense variant is not expected to disrupt BIN1 protein function with a negative predictive value of 80%. In summary, the available evidence is currently insufficient to determine the role of this variant in disease. Therefore, it has been classified as a Variant of Uncertain Significance.

NM_139343.3(BIN1):c.971C>G (p.Pro324Arg)

Gene: BIN1 (bridging integrator 1; minus strand). Cytogenetic location: 2q14.3.
Variant type: single nucleotide variant.
Coding change: c.971C>G on transcript NM_139343.3 (MANE Select); coding-DNA position 971, C replaced by G.
Protein change: p.Pro324Arg; replaces proline 324 with arginine.
Molecular consequence: missense variant.
Genome position (GRCh38, 1-based): chr2:127,059,042, G>C on the plus strand (C>G on the coding strand, the complement: BIN1 is on the minus strand). VCF-style: chr2-127059042-G-C. GRCh37 (hg19) VCF-style: chr2-127816618-G-C.
Other names: c.971C>G, p.Pro324Arg (NM_139345.3, NM_001320633.2, NM_001320640.2 and 1 more transcripts); c.923C>G, p.Pro308Arg (NM_139346.3, NM_001320632.2, NM_004305.4); c.878C>G, p.Pro293Arg (NM_139347.3, NM_139348.3, NM_139349.3 and 3 more transcripts); c.806C>G, p.Pro269Arg (NM_001320634.1); c.890C>G, p.Pro297Arg (NM_001320642.1); short protein forms P269R, P297R, P293R, P324R, P308R.
Identifiers: ClinVar variation 4743702 (VCV004743702.1).